The following is an entry in ClinVar:

NM_000439.5(PCSK1):c.539A>G (p.Asn180Ser)

Genes: CAST (calpastatin; plus strand), PCSK1 (proprotein convertase subtilisin/kexin type 1; minus strand), LOC101929710 (uncharacterized LOC101929710; plus strand). Cytogenetic location: 5q15.
Variant type: single nucleotide variant.
Coding change: c.539A>G on transcript NM_000439.5 (MANE Select); coding-DNA position 539, A replaced by G.
Protein change: p.Asn180Ser; replaces asparagine 180 with serine.
Molecular consequence: missense variant. On other transcripts: intron variant (11).
Genome position (GRCh38, 1-based): chr5:96,423,317, T>C on the plus strand (A>G on the coding strand, the complement: PCSK1 is on the minus strand). VCF-style: chr5-96423317-T-C. GRCh37 (hg19) VCF-style: chr5-95759021-T-C.
Other names: c.398A>G, p.Asn133Ser (NM_001177875.2); c.-175+43665T>C (NM_001423254.1, NM_001423259.1, NM_001423255.1 and 6 more transcripts); c.-103+43665T>C (NM_001423253.1); c.-40+43665T>C (NM_001423258.1); short protein forms N133S, N180S.
Identifiers: ClinVar variation 2634365 (VCV002634365.4), dbSNP rs750845408, ClinGen allele CA3350462.

ClinVar aggregate classification (germline): Uncertain significance. Review status: criteria provided, single submitter (1 of 4 stars). 2 submissions from 2 submitters: Uncertain significance (1). 1 of the submissions does not count toward it. Last evaluated 2023-02-27.

Conditions:
PCSK1-related disorder. Also called: PCSK1-related condition.

Allele frequency attached by ClinVar (database versions not stated): gnomAD exomes 0.00007; TOPMed 0.00008; ExAC 0.00007; gnomAD 0.00007.
gnomAD v4.1: 114 of 1,608,402 alleles (0.0071%); highest among the groups gnomAD compares: Non-Finnish European, 0.0088%; no homozygotes.

Submissions (2):

Blueprint Genetics
Classification: Uncertain significance. Last evaluated: 2023-02-27. Review status: criteria provided, single submitter. Criteria: ACMG Guidelines, 2015. Collection method: clinical testing. Allele origin: germline.

PreventionGenetics, part of Exact Sciences
Classification: Uncertain significance for PCSK1-related condition. Last evaluated: 2024-03-19. Review status: no assertion criteria provided. Collection method: clinical testing. Allele origin: germline. Not counted in ClinVar's aggregate classification.
Comment: The PCSK1 c.539A>G variant is predicted to result in the amino acid substitution p.Asn180Ser. This variant has been reported in the literature in obese individuals as well as normal weight controls (Creemers et al. 2012. PubMed ID: 22210313; Kleinendorst et al. 2018. PubMed ID: 29970488; Philippe et al. 2015. PubMed ID: 24890885). In vitro functional studies showed no evidence of loss of function (Supplemental Data Set, Shah et al. 2023. PubMed ID: 36864747). This variant is reported in 0.010% of alleles in individuals of South Asian descent in gnomAD. At this time, the clinical significance of this variant is uncertain due to the absence of conclusive functional and genetic evidence.